The following is an entry in ClinVar:

NM_006852.6(TLK2):c.1303A>G (p.Thr435Ala)

Gene: TLK2 (tousled like kinase 2; plus strand). Cytogenetic location: 17q23.2.
Variant type: single nucleotide variant.
Coding change: c.1303A>G on transcript NM_006852.6 (MANE Select); coding-DNA position 1303, A replaced by G.
Protein change: p.Thr435Ala; replaces threonine 435 with alanine.
Molecular consequence: missense variant.
Genome position (GRCh38, 1-based): chr17:62,580,127, A>G. VCF-style: chr17-62580127-A-G. GRCh37 (hg19) VCF-style: chr17-60657488-A-G.
Other names: c.1369A>G, p.Thr457Ala (NM_001284333.3); c.1207A>G, p.Thr403Ala (NM_001284363.1, NM_001375272.1); c.856A>G, p.Thr286Ala (NM_001330418.3, NM_001375273.1); c.1345A>G, p.Thr449Ala (NM_001375269.1); c.1303A>G, p.Thr435Ala (NM_001375270.1, NM_001375271.1); c.1018A>G, p.Thr340Ala (NM_001411074.1); short protein forms T286A, T340A, T403A, T435A, T449A, T457A.
Identifiers: ClinVar variation 3372180 (VCV003372180.1).

ClinVar aggregate classification (germline): Uncertain significance (1 of 4 stars; one submission).

Submission:

GeneDx
Classification: Uncertain significance. Last evaluated: 2024-04-16. Review status: criteria provided, single submitter. Criteria: GeneDx Variant Classification Process June 2021. Collection method: clinical testing. Allele origin: germline. Affected: yes.
Comment: Not observed at significant frequency in large population cohorts (gnomAD); In silico analysis indicates that this missense variant does not alter protein structure/function; Has not been previously published as pathogenic or benign to our knowledge